The following is an entry in ClinVar:

NM_020937.4(FANCM):c.-5G>A

Gene: FANCM (FA complementation group M; plus strand). Cytogenetic location: 14q21.2.
Variant type: single nucleotide variant.
Coding change: c.-5G>A on transcript NM_020937.4 (MANE Select); 5 bases upstream of the start codon, G replaced by A.
Molecular consequence: 5 prime UTR variant.
Genome position (GRCh38, 1-based): chr14:45,136,027, G>A. VCF-style: chr14-45136027-G-A. GRCh37 (hg19) VCF-style: chr14-45605230-G-A.
Other names: c.-5G>A (NM_001308133.2, NM_001308134.2).
Identifiers: ClinVar variation 1201547 (VCV001201547.6), dbSNP rs202182765, ClinGen allele CA7168677.

ClinVar aggregate classification (germline): Likely benign. Review status: criteria provided, multiple submitters, no conflicts (2 of 4 stars). 2 submissions from 2 submitters: Likely benign (2). Last evaluated 2024-07-22.

Allele frequency attached by ClinVar (database versions not stated): ExAC 0.00003; gnomAD 0.00003 and 0.00004; gnomAD exomes 0.00003 and 0.00008; TOPMed 0.00005; ESP Exome Variant Server 0.00008.
gnomAD v4.1: 117 of 1,612,928 alleles (0.0073%); highest among the groups gnomAD compares: Non-Finnish European, 0.0097%; no homozygotes.

Submissions (2):

GeneDx
Classification: Likely benign. Last evaluated: 2024-07-22. Review status: criteria provided, single submitter. Criteria: GeneDx Variant Classification Process June 2021. Collection method: clinical testing. Allele origin: germline. Affected: yes.
Comment: See Variant Classification Assertion Criteria.

Blueprint Genetics
Classification: Likely benign. Last evaluated: 2023-10-02. Review status: criteria provided, single submitter. Criteria: ACMG Guidelines, 2015. Collection method: clinical testing. Allele origin: germline.